The following is an entry in ClinVar:

ClinVar aggregate classification (germline): Pathogenic (1 of 4 stars; one submission).

Submission:

Labcorp Genetics (formerly Invitae), Labcorp
Classification: Pathogenic. Last evaluated: 2024-10-17. Review status: criteria provided, single submitter. Criteria: Invitae Variant Classification Sherloc (09022015). Collection method: clinical testing. Allele origin: germline.
Comment: This sequence change creates a premature translational stop signal (p.Trp930*) in the ADAMTS17 gene. It is expected to result in an absent or disrupted protein product. Loss-of-function variants in ADAMTS17 are known to be pathogenic (PMID: 19836009, 24940034). This variant is not present in population databases (gnomAD no frequency). This variant has not been reported in the literature in individuals affected with ADAMTS17-related conditions. For these reasons, this variant has been classified as Pathogenic.

Literature cited by the submitters: PubMed 19836009; PubMed 24940034.

NM_139057.4(ADAMTS17):c.2789G>A (p.Trp930Ter)

Gene: ADAMTS17 (ADAM metallopeptidase with thrombospondin type 1 motif 17; minus strand). Cytogenetic location: 15q26.3.
Variant type: single nucleotide variant.
Coding change: c.2789G>A on transcript NM_139057.4 (MANE Select); coding-DNA position 2789, G replaced by A.
Protein change: p.Trp930Ter; replaces tryptophan 930 with a stop codon.
Molecular consequence: nonsense.
Genome position (GRCh38, 1-based): chr15:99,997,392, C>T on the plus strand (G>A on the coding strand, the complement: ADAMTS17 is on the minus strand). VCF-style: chr15-99997392-C-T. GRCh37 (hg19) VCF-style: chr15-100537597-C-T.
Other names: short protein forms W930*.
Identifiers: ClinVar variation 3723101 (VCV003723101.2).